The following is an entry in ClinVar:

NM_001009944.3(PKD1):c.11642C>A (p.Ala3881Asp)

Genes: PKD1 (polycystin 1, transient receptor potential channel interacting; minus strand), PKD1-AS1 (PKD1 antisense RNA 1; plus strand). Cytogenetic location: 16p13.3.
Variant type: single nucleotide variant.
Coding change: c.11642C>A on transcript NM_001009944.3 (MANE Select); coding-DNA position 11642, C replaced by A.
Protein change: p.Ala3881Asp; replaces alanine 3881 with aspartic acid.
Molecular consequence: missense variant. On other transcripts: non-coding transcript variant (1).
Genome position (GRCh38, 1-based): chr16:2,091,493, G>T on the plus strand (C>A on the coding strand, the complement: PKD1 is on the minus strand). VCF-style: chr16-2091493-G-T. GRCh37 (hg19) VCF-style: chr16-2141494-G-T.
Other names: c.11639C>A, p.Ala3880Asp (NM_000296.4); short protein forms A3880D, A3881D.
Identifiers: ClinVar variation 3066233 (VCV003066233.4), dbSNP rs2544614386, ClinGen allele CA394331760.

ClinVar aggregate classification (germline): Conflicting classifications of pathogenicity. Review status: criteria provided, conflicting classifications (1 of 4 stars). 4 submissions from 4 submitters: Likely pathogenic (1); Uncertain significance (3). Last evaluated 2026-06-03.

Conditions:
PKD1-related disorder. Also called: PKD1-related condition.
Polycystic kidney disease, adult type (PKD1). Also called: POLYCYSTIC KIDNEY DISEASE, ADULT, TYPE I; Polycystic Kidney Disease 1, Autosomal Dominant; Polycystic kidney disease 1; Polycystic kidney disease 1, severe; Polycystic Kidney, Autosomal Dominant; POLYCYSTIC KIDNEY DISEASE 1 WITH OR WITHOUT POLYCYSTIC LIVER DISEASE. Identifiers: MedGen C3149841, MONDO:0008263, OMIM 173900.

Submissions (4):

Women's Health and Genetics/Laboratory Corporation of America, LabCorp
Classification: Uncertain significance. Last evaluated: 2026-06-03. Review status: criteria provided, single submitter. Criteria: LabCorp Variant Classification Summary - May 2015. Collection method: clinical testing. Allele origin: germline.
Comment: Variant summary: PKD1 c.11642C>A (p.Ala3881Asp) results in a non-conservative amino acid change in the encoded protein sequence. Algorithms developed to predict the effect of missense changes on protein structure and function are either unavailable or do not agree on the potential impact of this missense change. The variant was absent in 44308 control chromosomes. The available data on variant occurrences in the general population are insufficient to allow any conclusion about variant significance. To our knowledge, no occurrence of c.11642C>A in individuals affected with PKD1-related conditions and no experimental evidence demonstrating its impact on protein function have been reported. ClinVar contains an entry for this variant (Variation ID: 3066233). Based on the evidence outlined above, the variant was classified as uncertain significance.

Blueprint Genetics
Classification: Likely pathogenic for PKD1-related disorders. Last evaluated: 2024-10-25. Review status: criteria provided, single submitter. Criteria: ACMG Guidelines, 2015. Collection method: clinical testing. Allele origin: germline. Affected: yes. Observed: 1 variant allele.

Fulgent Genetics
Classification: Uncertain significance for Polycystic kidney disease, adult type. Last evaluated: 2024-05-10. Review status: criteria provided, single submitter. Criteria: ACMG Guidelines, 2015. Collection method: clinical testing. Allele origin: germline.

MVZ Medizinische Genetik Mainz
Classification: Uncertain significance for Polycystic kidney disease, adult type. Last evaluated: 2021-10-14. Review status: criteria provided, single submitter. Criteria: UK Practice Guidelines For Variant Classification V4 01 2020. Collection method: clinical testing. Allele origin: germline. Inheritance: Autosomal dominant inheritance. Affected: yes. Observed: 1 variant allele.
Comment: ACMG Criteria: PM2_SUP, PP4 (ACMG Version 3)